The following is an entry in ClinVar:

ClinVar aggregate classification (germline): Uncertain significance (1 of 4 stars; one submission).

Allele frequency attached by ClinVar (database versions not stated): gnomAD exomes below 0.00001; gnomAD 0.00001; TOPMed 0.00001.

Submission:

Labcorp Genetics (formerly Invitae), Labcorp
Classification: Uncertain significance. Last evaluated: 2023-04-12. Review status: criteria provided, single submitter. Criteria: Invitae Variant Classification Sherloc (09022015). Collection method: clinical testing. Allele origin: germline.
Comment: In summary, the available evidence is currently insufficient to determine the role of this variant in disease. Therefore, it has been classified as a Variant of Uncertain Significance. This variant has not been reported in the literature in individuals affected with CFB-related conditions. This variant is present in population databases (no rsID available, gnomAD 0.01%). This sequence change creates a premature translational stop signal (p.Arg150*) in the CFB gene. It is expected to result in an absent or disrupted protein product. However, the current clinical and genetic evidence is not sufficient to establish whether loss-of-function variants in CFB cause disease.

NM_001710.6(CFB):c.448C>T (p.Arg150Ter)

Gene: CFB (complement factor B; plus strand). Cytogenetic location: 6p21.33.
Variant type: single nucleotide variant.
Coding change: c.448C>T on transcript NM_001710.6 (MANE Select); coding-DNA position 448, C replaced by T.
Protein change: p.Arg150Ter; replaces arginine 150 with a stop codon.
Molecular consequence: nonsense.
Genome position (GRCh38, 1-based): chr6:31,947,156, C>T. VCF-style: chr6-31947156-C-T. GRCh37 (hg19) VCF-style: chr6-31914933-C-T.
Other names: short protein forms R150*.
Identifiers: ClinVar variation 2975239 (VCV002975239.3), dbSNP rs1380436901, ClinGen allele CA363391485.